The following is an entry in ClinVar:

ClinVar aggregate classification (germline): Likely benign. Review status: criteria provided, multiple submitters, no conflicts (2 of 4 stars). 3 submissions from 3 submitters: Likely benign (3). Last evaluated 2025-12-19.

Conditions:
Joubert syndrome 8 (JBTS8). Identifiers: Orphanet 475, MedGen C2676771, MONDO:0012855, OMIM 612291.

Allele frequency attached by ClinVar (database versions not stated): TOPMed 0.00001; ExAC 0.00002; gnomAD 0.00002; gnomAD exomes 0.00002.
gnomAD v4.1: 36 of 1,613,252 alleles (0.0022%); highest among the groups gnomAD compares: Non-Finnish European, 0.0029%; no homozygotes.

Submissions (3):

Labcorp Genetics (formerly Invitae), Labcorp
Classification: Likely benign for Joubert syndrome 8. Last evaluated: 2025-12-19. Review status: criteria provided, single submitter. Criteria: Invitae Variant Classification Sherloc (09022015). Collection method: clinical testing. Allele origin: germline.

Blueprint Genetics
Classification: Likely benign. Last evaluated: 2024-04-10. Review status: criteria provided, single submitter. Criteria: ACMG Guidelines, 2015. Collection method: clinical testing. Allele origin: germline.

CeGaT Center for Human Genetics Tuebingen
Classification: Likely benign. Last evaluated: 2023-08-01. Review status: criteria provided, single submitter. Criteria: CeGaT Center For Human Genetics Tuebingen Variant Classification Criteria Version 2. Collection method: clinical testing. Allele origin: germline. Affected: yes. Observed: 1 variant allele.
Comment: ARL13B: BP4, BP7

NM_001174150.2(ARL13B):c.981G>A (p.Gln327=)

Gene: ARL13B (ARF like GTPase 13B; plus strand). Cytogenetic location: 3q11.2.
Variant type: single nucleotide variant.
Coding change: c.981G>A on transcript NM_001174150.2 (MANE Select); coding-DNA position 981, G replaced by A.
Protein change: p.Gln327=; no amino-acid change (glutamine 327 retained).
Molecular consequence: synonymous variant. On other transcripts: non-coding transcript variant (2).
Genome position (GRCh38, 1-based): chr3:94,043,197, G>A. VCF-style: chr3-94043197-G-A. GRCh37 (hg19) VCF-style: chr3-93762041-G-A.
Other names: c.672G>A, p.Gln224= (NM_001174151.2); c.936G>A, p.Gln312= (NM_001321328.2); c.660G>A, p.Gln220= (NM_144996.4); c.981G>A, p.Gln327= (NM_182896.3).
Identifiers: ClinVar variation 1151576 (VCV001151576.32), dbSNP rs749088942, ClinGen allele CA2504220.
Genomic context (GRCh38, chr3:94,043,197, plus strand): 5'-TGGCCAAAAAAATAATGAATTTGGACTAGTAGAAAATTATAAGGAGGCATTAACACAGCA[G>A]TTAAAGAATGAAGATGAGACAGACCGGCCATCATTGGAATCAGGTAATAAATCTAGTTAT-3'
Protein context (NP_001167621.1, residues 317-337): VENYKEALTQ[Gln327=]LKNEDETDRP